The following is an entry in ClinVar:

NM_206933.4(USH2A):c.9593A>C (p.Tyr3198Ser)

Gene: USH2A (usherin; minus strand). Cytogenetic location: 1q41.
Variant type: single nucleotide variant.
Coding change: c.9593A>C on transcript NM_206933.4 (MANE Select); coding-DNA position 9593, A replaced by C.
Protein change: p.Tyr3198Ser; replaces tyrosine 3198 with serine.
Molecular consequence: missense variant.
Genome position (GRCh38, 1-based): chr1:215,813,882, T>G on the plus strand (A>C on the coding strand, the complement: USH2A is on the minus strand). VCF-style: chr1-215813882-T-G. GRCh37 (hg19) VCF-style: chr1-215987224-T-G.
Other names: short protein forms Y3198S.
Identifiers: ClinVar variation 968477 (VCV000968477.7), dbSNP rs772611054, ClinGen allele CA1394258.

ClinVar aggregate classification (germline): Uncertain significance (1 of 4 stars; one submission).

gnomAD v4.1: 3 of 1,613,808 alleles (0.00019%); highest among the groups gnomAD compares: Non-Finnish European, 0.00017%; no homozygotes.

Submission:

Labcorp Genetics (formerly Invitae), Labcorp
Classification: Uncertain significance. Last evaluated: 2021-08-24. Review status: criteria provided, single submitter. Criteria: Invitae Variant Classification Sherloc (09022015). Collection method: clinical testing. Allele origin: germline.
Comment: This sequence change replaces tyrosine with serine at codon 3198 of the USH2A protein (p.Tyr3198Ser). The tyrosine residue is moderately conserved and there is a large physicochemical difference between tyrosine and serine. This variant is present in population databases (rs772611054, ExAC 0.005%). This variant has not been reported in the literature in individuals affected with USH2A-related conditions. Algorithms developed to predict the effect of missense changes on protein structure and function are either unavailable or do not agree on the potential impact of this missense change (SIFT: "Deleterious"; PolyPhen-2: "Possibly Damaging"; Align-GVGD: "Class C15"). In summary, the available evidence is currently insufficient to determine the role of this variant in disease. Therefore, it has been classified as a Variant of Uncertain Significance.